The following is an entry in ClinVar:

NM_198253.3(TERT):c.1541T>C (p.Val514Ala)

Gene: TERT (telomerase reverse transcriptase; minus strand). Cytogenetic location: 5p15.33.
Variant type: single nucleotide variant.
Coding change: c.1541T>C on transcript NM_198253.3 (MANE Select); coding-DNA position 1541, T replaced by C.
Protein change: p.Val514Ala; replaces valine 514 with alanine.
Molecular consequence: missense variant. On other transcripts: non-coding transcript variant (2).
Genome position (GRCh38, 1-based): chr5:1,293,345, A>G on the plus strand (T>C on the coding strand, the complement: TERT is on the minus strand). VCF-style: chr5-1293345-A-G. GRCh37 (hg19) VCF-style: chr5-1293460-A-G.
Other names: c.1541T>C, p.Val514Ala (NM_001193376.3); short protein forms V514A.
Identifiers: ClinVar variation 4865479 (VCV004865479.1).
Genomic context (GRCh38, chr5:1,293,345, plus strand): 5'-GGGCCCTCGACGGCCACCACCTCCTCACCTGGGCTCCTGCGCAGCCAAGCGCAGTCCCGC[A>G]CGCTCATCTTCCACGTCAGCTCCTGCAGCGAGAGCTTGGCATGCTTCCCCAGGGAGATGA-3'
Protein context (NP_937983.2, residues 504-524): SLQELTWKMS[Val514Ala]RDCAWLRRSP

ClinVar aggregate classification (germline): Uncertain significance (1 of 4 stars; one submission).

Conditions:
Dyskeratosis congenita. Identifiers: Orphanet 1775, MedGen C0265965, MONDO:0015780.

Submission:

Ambry Genetics
Classification: Uncertain significance for Dyskeratosis congenita. Last evaluated: 2026-05-14. Review status: criteria provided, single submitter. Criteria: Ambry Variant Classification Scheme 2023. Collection method: clinical testing. Allele origin: germline.
Comment: The p.V514A variant (also known as c.1541T>C), located in coding exon 2 of the TERT gene, results from a T to C substitution at nucleotide position 1541. The valine at codon 514 is replaced by alanine, an amino acid with similar properties. This amino acid position is conserved. In addition, this alteration is predicted to be deleterious by in silico analysis. Based on the available evidence, the clinical significance of this variant remains unclear.